The following is an entry in ClinVar:

ClinVar aggregate classification (germline): Uncertain significance. Review status: criteria provided, multiple submitters, no conflicts (2 of 4 stars). 2 submissions from 2 submitters: Uncertain significance (2). Last evaluated 2025-08-11.

Conditions:
Hypogonadotropic hypogonadism 2 with or without anosmia (HH2). Also called: FGFR1-Related GnRH Deficiency (Kallmann Syndrome 2); HYPOGONADOTROPIC HYPOGONADISM 2 WITH OR WITHOUT ANOSMIA, SUSCEPTIBILITY TO; HYPOGONADOTROPIC HYPOGONADISM 2 WITHOUT ANOSMIA, SUSCEPTIBILITY TO; HYPOGONADOTROPIC HYPOGONADISM 2 WITHOUT ANOSMIA. Identifiers: Orphanet 478, MedGen C1563720, MONDO:0007844, OMIM 147950. Disease mechanism: loss of function.
Pfeiffer syndrome (ACS5). Also called: ACS V. Identifiers: Orphanet 710, MedGen C0220658, MONDO:0007043, OMIM 101600.
Jackson-Weiss syndrome (JWS). Also called: CRANIOSYNOSTOSIS, MIDFACIAL HYPOPLASIA, AND FOOT ABNORMALITIES. Identifiers: Orphanet 1540, MedGen C0795998, MONDO:0007400, OMIM 123150. Disease mechanism: loss of function.
Hartsfield-Bixler-Demyer syndrome (HRTFDS). Also called: FGFR1-Related Hartsfield Syndrome; Holoprosencephaly, ectrodactyly, and bilateral cleft lip/palate; Hartsfield syndrome. Identifiers: Orphanet 2117, MedGen C1845146, MONDO:0014196, OMIM 615465. Disease mechanism: loss of function.
Trigonocephaly 1 (TRIGNO1). Identifiers: Orphanet 3366, MedGen C0432122, MONDO:0008603, OMIM 190440.
Encephalocraniocutaneous lipomatosis (ECCL). Identifiers: Orphanet 2396, MedGen C0406612, MONDO:0013074, OMIM 613001.
Osteoglophonic dysplasia (OGD). Also called: Osteoglophonic dwarfism. Identifiers: Orphanet 2645, MedGen C0432283, MONDO:0008150, OMIM 166250.

Allele frequency attached by ClinVar (database versions not stated): gnomAD 0.00003 and 0.00004; ExAC 0.00005; gnomAD exomes 0.00005 and 0.00006; TOPMed 0.00006.
gnomAD v4.1: 73 of 1,614,132 alleles (0.0045%); highest among the groups gnomAD compares: Non-Finnish European, 0.0053%; no homozygotes.

Submissions (2):

Labcorp Genetics (formerly Invitae), Labcorp
Classification: Uncertain significance for Pfeiffer syndrome; Hypogonadotropic hypogonadism 2 with or without anosmia. Last evaluated: 2025-08-11. Review status: criteria provided, single submitter. Criteria: Invitae Variant Classification Sherloc (09022015). Collection method: clinical testing. Allele origin: germline.
Comment: This sequence change replaces arginine, which is basic and polar, with histidine, which is basic and polar, at codon 189 of the FGFR1 protein (p.Arg189His). This variant is present in population databases (rs778166317, gnomAD 0.009%), and has an allele count higher than expected for a pathogenic variant. This variant has not been reported in the literature in individuals affected with FGFR1-related conditions. ClinVar contains an entry for this variant (Variation ID: 1427070). Invitae Evidence Modeling of protein sequence and biophysical properties (such as structural, functional, and spatial information, amino acid conservation, physicochemical variation, residue mobility, and thermodynamic stability) indicates that this missense variant is not expected to disrupt FGFR1 protein function with a negative predictive value of 80%. In summary, the available evidence is currently insufficient to determine the role of this variant in disease. Therefore, it has been classified as a Variant of Uncertain Significance.

Fulgent Genetics
Classification: Uncertain significance for Pfeiffer syndrome; Jackson-Weiss syndrome; Hypogonadotropic hypogonadism 2 with or without anosmia; Osteoglophonic dysplasia; Trigonocephaly 1; Encephalocraniocutaneous lipomatosis; Hartsfield-Bixler-Demyer syndrome. Last evaluated: 2024-02-07. Review status: criteria provided, single submitter. Criteria: ACMG Guidelines, 2015. Collection method: clinical testing. Allele origin: germline.

NM_023110.3(FGFR1):c.566G>A (p.Arg189His)

Gene: FGFR1 (fibroblast growth factor receptor 1; minus strand). Cytogenetic location: 8p11.23.
Variant type: single nucleotide variant.
Coding change: c.566G>A on transcript NM_023110.3 (MANE Select); coding-DNA position 566, G replaced by A.
Protein change: p.Arg189His; replaces arginine 189 with histidine.
Molecular consequence: missense variant.
Genome position (GRCh38, 1-based): chr8:38,427,976, C>T on the plus strand (G>A on the coding strand, the complement: FGFR1 is on the minus strand). VCF-style: chr8-38427976-C-T. GRCh37 (hg19) VCF-style: chr8-38285494-C-T.
Other names: c.566G>A, p.Arg189His (NM_001174063.2); c.542G>A, p.Arg181His (NM_001174064.2); c.560G>A, p.Arg187His (NM_001174065.2, NM_001354367.2, NM_001354369.2 and 1 more transcripts); c.299G>A, p.Arg100His (NM_001174066.2, NM_023105.3); c.659G>A, p.Arg220His (NM_001174067.2); c.293G>A, p.Arg98His (NM_001354368.2, NM_001354370.2, NM_023106.3); short protein forms R181H, R220H, R98H, R100H, R187H, R189H.
Identifiers: ClinVar variation 1427070 (VCV001427070.8), dbSNP rs778166317, ClinGen allele CA4718707.